The following is an entry in ClinVar:

NM_004750.5(CRLF1):c.857_864del (p.Val286fs)

Genes: CRLF1 (cytokine receptor like factor 1; minus strand), LOC112543470 (Sharpr-MPRA regulatory region 11645; plus strand). Cytogenetic location: 19p13.11.
Variant type: Deletion.
Coding change: c.857_864del on transcript NM_004750.5 (MANE Select); coding-DNA positions 857 to 864, 8 bases deleted (TGGTGGAC; older notation c.857_864delTGGTGGAC).
Protein change: p.Val286fs; shifts the reading frame from valine 286.
Molecular consequence: frameshift variant.
Genome position (GRCh38, 1-based): chr19:18,596,782-18,596,789, GTCCACCA deleted on the plus strand (TGGTGGAC on the coding strand, the reverse complement: CRLF1 is on the minus strand). VCF-style (leftmost placement, unchanged base first): chr19-18596781-CGTCCACCA-C. GRCh37 (hg19) VCF-style: chr19-18707591-CGTCCACCA-C.
Other names: NM_004750.4:Exon 6-9 deleted; short protein forms V286fs.
Identifiers: ClinVar variation 21008 (VCV000021008.3), dbSNP rs367543004, ClinGen allele CA341512.

ClinVar aggregate classification (germline): Pathogenic (0 of 4 stars; one submission).

Conditions:
Cold-induced sweating syndrome 1 (CISS1). Also called: CRLF1-Related Cold-Induced Sweating Syndrome including Crisponi Syndrome; MUSCLE CONTRACTIONS, TETANOFORM, WITH CHARACTERISTIC FACE, CAMPTODACTYLY, HYPERTHERMIA, AND SUDDEN DEATH; Crisponi syndrome; CRISPONI/COLD-INDUCED SWEATING SYNDROME 1. Identifiers: Orphanet 1545, Orphanet 157820, MedGen C1848947, MONDO:0010091, OMIM 272430.

Submission:

GeneReviews
Classification: Pathogenic for Cold-Induced Sweating Syndrome including Crisponi Syndrome. Last evaluated: 2011-03-03. Review status: no assertion criteria provided. Collection method: curation. Allele origin: unknown.
ClinVar note: Converted during submission from pathologic to Pathogenic.